The following is an entry in ClinVar:

NM_206933.4(USH2A):c.9724G>A (p.Ala3242Thr)

Gene: USH2A (usherin; minus strand). Cytogenetic location: 1q41.
Variant type: single nucleotide variant.
Coding change: c.9724G>A on transcript NM_206933.4 (MANE Select); coding-DNA position 9724, G replaced by A.
Protein change: p.Ala3242Thr; replaces alanine 3242 with threonine.
Molecular consequence: missense variant.
Genome position (GRCh38, 1-based): chr1:215,813,751, C>T on the plus strand (G>A on the coding strand, the complement: USH2A is on the minus strand). VCF-style: chr1-215813751-C-T. GRCh37 (hg19) VCF-style: chr1-215987093-C-T.
Other names: short protein forms A3242T.
Identifiers: ClinVar variation 1504164 (VCV001504164.6), dbSNP rs373965999, ClinGen allele CA1394234.

ClinVar aggregate classification (germline): Uncertain significance (1 of 4 stars; one submission).

Allele frequency attached by ClinVar (database versions not stated): gnomAD 0.00001; ExAC 0.00001; TOPMed 0.00001; gnomAD exomes 0.00001.
gnomAD v4.1: 19 of 1,613,666 alleles (0.0012%); highest among the groups gnomAD compares: African/African-American, 0.0053%; no homozygotes.

Submission:

Labcorp Genetics (formerly Invitae), Labcorp
Classification: Uncertain significance. Last evaluated: 2024-11-11. Review status: criteria provided, single submitter. Criteria: Invitae Variant Classification Sherloc (09022015). Collection method: clinical testing. Allele origin: germline.
Comment: This sequence change replaces alanine, which is neutral and non-polar, with threonine, which is neutral and polar, at codon 3242 of the USH2A protein (p.Ala3242Thr). This variant is present in population databases (rs373965999, gnomAD 0.007%). This variant has not been reported in the literature in individuals affected with USH2A-related conditions. ClinVar contains an entry for this variant (Variation ID: 1504164). Invitae Evidence Modeling of protein sequence and biophysical properties (such as structural, functional, and spatial information, amino acid conservation, physicochemical variation, residue mobility, and thermodynamic stability) indicates that this missense variant is not expected to disrupt USH2A protein function with a negative predictive value of 95%. In summary, the available evidence is currently insufficient to determine the role of this variant in disease. Therefore, it has been classified as a Variant of Uncertain Significance.